The following is an entry in ClinVar:

ClinVar aggregate classification (germline): Uncertain significance (1 of 4 stars; one submission).

Conditions:
Bethlem myopathy 2 (BTHLM2). Identifiers: Orphanet 536516, Orphanet 610, MedGen C4225313, MONDO:0034022, OMIM 616471.
Ullrich congenital muscular dystrophy 2 (UCMD2). Identifiers: Orphanet 75840, MedGen C4225314, MONDO:0014654, OMIM 616470.

Allele frequency attached by ClinVar (database versions not stated): TOPMed below 0.00001.
gnomAD v4.1: 1 of 1,594,838 alleles (0.000063%); highest among the groups gnomAD compares: Non-Finnish European, 0.000085%; no homozygotes.

Submission:

Labcorp Genetics (formerly Invitae), Labcorp
Classification: Uncertain significance for Bethlem myopathy 2; Ullrich congenital muscular dystrophy 2. Last evaluated: 2023-11-17. Review status: criteria provided, single submitter. Criteria: Invitae Variant Classification Sherloc (09022015). Collection method: clinical testing. Allele origin: germline.
Comment: This sequence change replaces alanine, which is neutral and non-polar, with serine, which is neutral and polar, at codon 631 of the COL12A1 protein (p.Ala631Ser). This variant also falls at the last nucleotide of exon 10, which is part of the consensus splice site for this exon. This variant is not present in population databases (gnomAD no frequency). This variant has not been reported in the literature in individuals affected with COL12A1-related conditions. ClinVar contains an entry for this variant (Variation ID: 863205). Algorithms developed to predict the effect of missense changes on protein structure and function output the following: SIFT: "Not Available"; PolyPhen-2: "Benign"; Align-GVGD: "Not Available". The serine amino acid residue is found in multiple mammalian species, which suggests that this missense change does not adversely affect protein function. Variants that disrupt the consensus splice site are a relatively common cause of aberrant splicing (PMID: 17576681, 9536098). Algorithms developed to predict the effect of sequence changes on RNA splicing suggest that this variant may disrupt the consensus splice site. In summary, the available evidence is currently insufficient to determine the role of this variant in disease. Therefore, it has been classified as a Variant of Uncertain Significance.

Literature cited by the submitters: PubMed 17576681; PubMed 9536098.

NM_004370.6(COL12A1):c.1891G>T (p.Ala631Ser)

Gene: COL12A1 (collagen type XII alpha 1 chain; minus strand). Cytogenetic location: 6q13.
Variant type: single nucleotide variant.
Coding change: c.1891G>T on transcript NM_004370.6 (MANE Select); coding-DNA position 1891, G replaced by T.
Protein change: p.Ala631Ser; replaces alanine 631 with serine.
Molecular consequence: missense variant. On other transcripts: intron variant (1).
Genome position (GRCh38, 1-based): chr6:75,183,050, C>A on the plus strand (G>T on the coding strand, the complement: COL12A1 is on the minus strand). VCF-style: chr6-75183050-C-A. GRCh37 (hg19) VCF-style: chr6-75892766-C-A.
Other names: c.73+19670G>T (NM_080645.3); short protein forms A631S.
Identifiers: ClinVar variation 863205 (VCV000863205.9), dbSNP rs952803259, ClinGen allele CA141029174.